The following is an entry in ClinVar:

NM_002497.4(NEK2):c.504T>C (p.His168=)

Gene: NEK2 (NIMA related kinase 2; minus strand). Cytogenetic location: 1q32.3.
Variant type: single nucleotide variant.
Coding change: c.504T>C on transcript NM_002497.4 (MANE Select); coding-DNA position 504, T replaced by C.
Protein change: p.His168=; no amino-acid change (histidine 168 retained).
Molecular consequence: synonymous variant.
Genome position (GRCh38, 1-based): chr1:211,673,534, A>G on the plus strand (T>C on the coding strand, the complement: NEK2 is on the minus strand). VCF-style: chr1-211673534-A-G. GRCh37 (hg19) VCF-style: chr1-211846876-A-G.
Other names: c.504T>C, p.His168= (NM_001204182.2, NM_001204183.2).
Identifiers: ClinVar variation 403228 (VCV000403228.17), dbSNP rs701929, ClinGen allele CA1381679.

ClinVar aggregate classification (germline): Benign. Review status: criteria provided, multiple submitters, no conflicts (2 of 4 stars). 5 submissions from 5 submitters: Benign (5). Last evaluated 2026-02-04.

Conditions:
Retinitis pigmentosa 67 (RP67). Identifiers: Orphanet 791, MedGen C3809954, MONDO:0014256, OMIM 615565.
Retinal dystrophy. Also called: Inherited retinal dystrophy. Identifiers: Orphanet 71862, MedGen C0854723, MeSH D058499, MONDO:0019118, HP:0000556.

Allele frequency attached by ClinVar (database versions not stated): ESP Exome Variant Server 0.50146; gnomAD exomes 0.50734 and 0.56663; gnomAD 0.53247 and 0.53761; TOPMed 0.54127; ExAC 0.55836; 1000 Genomes Project 30x 0.59994; 1000 Genomes Project 0.60304.
gnomAD v4.1: 824,141 of 1,613,692 alleles (51%); highest among the groups gnomAD compares: East Asian, 74%; 215,163 homozygotes.

Submissions (5):

Labcorp Genetics (formerly Invitae), Labcorp
Classification: Benign. Last evaluated: 2026-02-04. Review status: criteria provided, single submitter. Criteria: Invitae Variant Classification Sherloc (09022015). Collection method: clinical testing. Allele origin: germline.

Dept Of Ophthalmology, Nagoya University
Classification: Benign for Retinal dystrophy. Last evaluated: 2023-10-01. Review status: criteria provided, single submitter. Criteria: Submitter's publication. Collection method: research. Allele origin: germline. Affected: yes.

Genome-Nilou Lab
Classification: Benign for Retinitis pigmentosa 67. Last evaluated: 2021-09-05. Review status: criteria provided, single submitter. Criteria: ACMG Guidelines, 2015. Collection method: clinical testing. Allele origin: germline. Affected: no.

Laboratory for Molecular Medicine, Mass General Brigham Personalized Medicine
Classification: Benign. Last evaluated: 2016-03-28. Review status: criteria provided, single submitter. Criteria: LMM Criteria. Collection method: clinical testing. Allele origin: germline.
Comment: Variant identified in a genome or exome case(s) and assessed due to predicted null impact of the variant or pathogenic assertions in the literature or databases. Disclaimer: This variant has not undergone full assessment. The following are preliminary notes: Frequency

Breakthrough Genomics
Classification: Benign. Review status: criteria provided, single submitter. Criteria: ACMG Guidelines, 2015. Collection method: not provided. Allele origin: germline. Inheritance: Autosomal recessive inheritance. Affected: yes.